The following is an entry in ClinVar:

NM_031885.5(BBS2):c.940+1del

Gene: BBS2 (Bardet-Biedl syndrome 2; minus strand). Cytogenetic location: 16q13.
Variant type: Deletion.
Coding change: c.940+1del on transcript NM_031885.5 (MANE Select); the canonical splice donor site of the intron after coding-DNA position 940, one base deleted (G; older notation c.940+1delG).
Molecular consequence: splice donor variant.
Genome position (GRCh38, 1-based): chr16:56,502,672, C deleted on the plus strand (G on the coding strand, the reverse complement: BBS2 is on the minus strand). VCF-style (leftmost placement, unchanged base first): chr16-56502671-AC-A. GRCh37 (hg19) VCF-style: chr16-56536583-AC-A.
Other names: c.940+1del (NM_001377456.1).
Identifiers: ClinVar variation 557954 (VCV000557954.12), dbSNP rs746171104, ClinGen allele CA8065881.

ClinVar aggregate classification (germline): Pathogenic/Likely pathogenic. Review status: criteria provided, multiple submitters, no conflicts (2 of 4 stars). 6 submissions from 6 submitters: Pathogenic (1); Likely pathogenic (3). 2 of the submissions do not count toward it. Last evaluated 2025-10-15.

Conditions:
Bardet-Biedl syndrome 2 (BBS2). Identifiers: Orphanet 110, MedGen C2936863, MONDO:0014432, OMIM 615981.
Retinitis pigmentosa 74 (RP74). Identifiers: Orphanet 791, MedGen C4225281, MONDO:0014692, OMIM 616562.
Bardet-Biedl syndrome (BBS). Identifiers: Orphanet 110, MedGen C0752166, MONDO:0015229.
BBS2-related disorder. Also called: BBS2-related disorders; BBS2-related condition. Identifiers: MedGen CN239228.

Allele frequency attached by ClinVar (database versions not stated): gnomAD exomes below 0.00001 and 0.00001; gnomAD 0.00001; TOPMed 0.00001; ExAC 0.00002; ESP Exome Variant Server 0.00008.

Submissions (6):

Natera, Inc.
Classification: Likely pathogenic for Bardet-Biedl syndrome type 2. Last evaluated: 2025-10-15. Review status: criteria provided, single submitter. Criteria: Natera Variant Classification Schema (03/2026). Collection method: clinical testing. Allele origin: germline.
Comment: The c.940+1delG variant in BBS2 is a canonical splice donor site variant predicted to affect pre-mRNA splicing, which may result in an abnormal transcript and altered protein product. This variant is expected to result in nonsense mediated decay, truncation, or a dysfunctional protein product. This variant is rare in the general population with a frequency below the threshold expected for the associated phenotype(s). Given the available evidence, this variant is classified as Likely Pathogenic.

Fulgent Genetics
Classification: Pathogenic for Bardet-Biedl syndrome 2; Retinitis pigmentosa 74. Last evaluated: 2024-03-28. Review status: criteria provided, single submitter. Criteria: ACMG Guidelines, 2015. Collection method: clinical testing. Allele origin: germline.

Baylor Genetics
Classification: Likely pathogenic for Bardet-Biedl syndrome 2. Last evaluated: 2024-03-01. Review status: criteria provided, single submitter. Criteria: ACMG Guidelines, 2015. Collection method: clinical testing. Allele origin: unknown.

Labcorp Genetics (formerly Invitae), Labcorp
Classification: Likely pathogenic for Bardet-Biedl syndrome. Last evaluated: 2022-10-17. Review status: criteria provided, single submitter. Criteria: Invitae Variant Classification Sherloc (09022015). Collection method: clinical testing. Allele origin: germline.
Comment: This variant is present in population databases (rs746171104, gnomAD 0.01%). In summary, the currently available evidence indicates that the variant is pathogenic, but additional data are needed to prove that conclusively. Therefore, this variant has been classified as Likely Pathogenic. Algorithms developed to predict the effect of sequence changes on RNA splicing suggest that this variant may disrupt the consensus splice site. ClinVar contains an entry for this variant (Variation ID: 557954). This variant has not been reported in the literature in individuals affected with BBS2-related conditions. This sequence change affects a splice site in intron 8 of the BBS2 gene. It is expected to disrupt RNA splicing. Variants that disrupt the donor or acceptor splice site typically lead to a loss of protein function (PMID: 16199547), and loss-of-function variants in BBS2 are known to be pathogenic (PMID: 11285252, 20177705, 24608809, 26518167).

PreventionGenetics, part of Exact Sciences
Classification: Likely pathogenic for BBS2-related condition. Last evaluated: 2024-01-02. Review status: no assertion criteria provided. Collection method: clinical testing. Allele origin: germline. Not counted in ClinVar's aggregate classification.
Comment: The BBS2 c.940+1delG variant is predicted to result in a deletion affecting a canonical splice site. This variant is predicted to disrupt the GT splice donor site and interfere with normal splicing. To our knowledge, this variant has not been reported in any patients with BBS2 related disorders. This variant is reported in 0.012% of alleles in individuals of African descent in gnomAD. Variants that disrupt the consensus splice donor site in BBS2 are expected to be pathogenic. This variant is interpreted as likely pathogenic.

Counsyl
Classification: Likely pathogenic for Bardet-Biedl syndrome 2. Last evaluated: 2018-04-18. Review status: no assertion criteria provided. Collection method: clinical testing. Allele origin: unknown. Not counted in ClinVar's aggregate classification.

Literature cited by the submitters: PubMed 16199547 (cited by Labcorp Genetics (formerly Invitae), Labcorp); PubMed 11285252 (cited by Labcorp Genetics (formerly Invitae), Labcorp); PubMed 20177705 (cited by Labcorp Genetics (formerly Invitae), Labcorp); PubMed 24608809 (cited by Labcorp Genetics (formerly Invitae), Labcorp); PubMed 26518167 (cited by Labcorp Genetics (formerly Invitae), Labcorp).